The following is an entry in ClinVar:

NM_001127644.2(GABRA1):c.1308A>C (p.Leu436Phe)

Gene: GABRA1 (gamma-aminobutyric acid type A receptor subunit alpha1; plus strand). Cytogenetic location: 5q34.
Variant type: single nucleotide variant.
Coding change: c.1308A>C on transcript NM_001127644.2 (MANE Select); coding-DNA position 1308, A replaced by C.
Protein change: p.Leu436Phe; replaces leucine 436 with phenylalanine.
Molecular consequence: missense variant.
Genome position (GRCh38, 1-based): chr5:161,897,359, A>C. VCF-style: chr5-161897359-A-C. GRCh37 (hg19) VCF-style: chr5-161324365-A-C.
Other names: c.1308A>C, p.Leu436Phe (NM_000806.5, NM_001127643.2, NM_001127645.2 and 1 more transcripts); short protein forms L436F.
Identifiers: ClinVar variation 3753874 (VCV003753874.2).
Genomic context (GRCh38, chr5:161,897,359, plus strand): 5'-CAGCAAAATTGACCGACTGTCAAGAATAGCCTTCCCGCTGCTATTTGGAATCTTTAACTT[A>C]GTCTACTGGGCTACGTATTTAAACAGAGAGCCTCAGCTAAAAGCCCCCACACCACATCAA-3'
Protein context (NP_001121116.1, residues 426-446): AFPLLFGIFN[Leu436Phe]VYWATYLNRE

ClinVar aggregate classification (germline): Uncertain significance (1 of 4 stars; one submission).

Conditions:
Epilepsy, idiopathic generalized, susceptibility to, 13. Also called: EPILEPSY, JUVENILE MYOCLONIC, SUSCEPTIBILITY TO, 5. Identifiers: Orphanet 307, Orphanet 64280, MedGen C4013473, MONDO:0012627, OMIM 611136.
Epilepsy, childhood absence 4 (ECA4). Also called: EPILEPSY, CHILDHOOD ABSENCE, SUSCEPTIBILITY TO, 4. Identifiers: Orphanet 307, MedGen C1970160.
Idiopathic generalized epilepsy. Also called: EIG; Generalised epilepsy. Identifiers: MedGen C0270850, MONDO:0005579, OMIM 600669.

Submission:

Labcorp Genetics (formerly Invitae), Labcorp
Classification: Uncertain significance for Epilepsy, childhood absence 4; Epilepsy, idiopathic generalized, susceptibility to, 13; Idiopathic generalized epilepsy. Last evaluated: 2025-01-14. Review status: criteria provided, single submitter. Criteria: Invitae Variant Classification Sherloc (09022015). Collection method: clinical testing. Allele origin: germline.
Comment: This sequence change replaces leucine, which is neutral and non-polar, with phenylalanine, which is neutral and non-polar, at codon 436 of the GABRA1 protein (p.Leu436Phe). This variant is not present in population databases (gnomAD no frequency). This variant has not been reported in the literature in individuals affected with GABRA1-related conditions. Invitae Evidence Modeling of protein sequence and biophysical properties (such as structural, functional, and spatial information, amino acid conservation, physicochemical variation, residue mobility, and thermodynamic stability) has been performed for this missense variant. However, the output from this modeling did not meet the statistical confidence thresholds required to predict the impact of this variant on GABRA1 protein function. In summary, the available evidence is currently insufficient to determine the role of this variant in disease. Therefore, it has been classified as a Variant of Uncertain Significance.